The following is an entry in ClinVar:

NM_001130987.2(DYSF):c.3946A>G (p.Ile1316Val)

Genes: DYSF (dysferlin; plus strand), LOC122787137 (CDK7 strongly-dependent group 2 enhancer GRCh37_chr2:71829831-71831030; plus strand). Cytogenetic location: 2p13.2.
Variant type: single nucleotide variant.
Coding change: c.3946A>G on transcript NM_001130987.2 (MANE Select); coding-DNA position 3946, A replaced by G.
Protein change: p.Ile1316Val; replaces isoleucine 1316 with valine.
Molecular consequence: missense variant.
Genome position (GRCh38, 1-based): chr2:71,602,794, A>G. VCF-style: chr2-71602794-A-G. GRCh37 (hg19) VCF-style: chr2-71829924-A-G.
Other names: NM_001130987.2(DYSF):c.3946A>G; p.Ile1316Val; c.3895A>G, p.Ile1299Val (NM_001130455.2, NM_001130983.2); c.3850A>G, p.Ile1284Val (NM_001130976.2, NM_001130977.2); c.3892A>G, p.Ile1298Val (NM_001130978.2, NM_003494.4); c.3985A>G, p.Ile1329Val (NM_001130979.2); c.3943A>G, p.Ile1315Val (NM_001130980.2, NM_001130981.2); c.3988A>G, p.Ile1330Val (NM_001130982.2); and 2 more; short protein forms I1298V, I1316V, I1285V, I1299V, I1315V, I1284V, I1329V, I1330V.
Identifiers: ClinVar variation 6667 (VCV000006667.69), dbSNP rs121908954, ClinGen allele CA179991.

ClinVar aggregate classification (germline): Benign. Review status: reviewed by expert panel (3 of 4 stars). 20 submissions from 17 submitters: Benign (1). 19 of the submissions do not count toward it. Last evaluated 2025-01-08.

Conditions:
DYSF-related disorder. Also called: DYSF-related disorders; DYSF-related condition.
Autosomal recessive limb-girdle muscular dystrophy. Identifiers: Orphanet 102015, MedGen C2931907, MONDO:0015152.
Neuromuscular disease caused by qualitative or quantitative defects of dysferlin. Also called: Dysferlinopathy; Qualitative or quantitative defects of dysferlin. Identifiers: Orphanet 207073, MedGen C2931687, MONDO:0016145.
Miyoshi muscular dystrophy 1 (MMD1). Identifiers: Orphanet 45448, MedGen C4551973, MONDO:0024545, OMIM 254130.
Distal myopathy with anterior tibial onset. Identifiers: Orphanet 178400, MedGen C1847532, MONDO:0011721, OMIM 606768.
Autosomal recessive limb-girdle muscular dystrophy type 2B (LGMDR2). Also called: MUSCULAR DYSTROPHY, LIMB-GIRDLE, TYPE 3; Limb-girdle muscular dystrophy, type 2B; Limb-Girdle Muscular Dystrophy Type 2B (LGMD2B); MUSCULAR DYSTROPHY, LIMB-GIRDLE, AUTOSOMAL RECESSIVE 2. Identifiers: Orphanet 268, MedGen C1850889, MONDO:0009676, OMIM 253601.

Allele frequency attached by ClinVar (database versions not stated): 1000 Genomes Project 30x 0.00156; ExAC 0.00474; TOPMed 0.00420; gnomAD exomes 0.00648 and 0.00458; 1000 Genomes Project 0.00180; gnomAD 0.00491.
gnomAD v4.1: 10,072 of 1,613,374 alleles (0.62%); highest among the groups gnomAD compares: Non-Finnish European, 0.76%; 49 homozygotes.

Submissions (20):

ClinGen Limb Girdle Muscular Dystrophy Variant Curation Expert Panel, ClinGen
Classification: Benign for Autosomal recessive limb-girdle muscular dystrophy. Last evaluated: 2025-01-08. Review status: reviewed by expert panel. Criteria: ClinGen LGMD VCEP ACMG Specifications DYSF V1.0.0. Collection method: curation. Allele origin: germline. Inheritance: Autosomal recessive inheritance.
Comment: The NM_003494.4: c.3892A>G variant in DYSF, which is also known as NM_001130987.2: c.3946A>G p.(Ile1316Val), is a missense variant predicted to cause substitution of isoleucine by valine at amino acid 1298 (p.Ile1298Val). The filtering allele frequency of the variant is 0.006916 for European (non-Finnish) genome chromosomes in gnomAD v3.1.2 (the lower threshold of the 95% CI of 695/152140), which is higher than the VCEP threshold of 0.003 (BA1). The SpliceAI score for this variant is 0.12 and the computational predictor REVEL gives a score of 0.42. Both of these scores are neither above nor below the thresholds predicting a damaging or benign impact (BP4/PP3 not met). In summary, this variant meets the criteria to be classified as Benign for autosomal recessive limb girdle muscular dystrophy based on the ACMG/AMP criteria applied, as specified by the ClinGen LGMD VCEP (LGMD VCEP specifications version 1.0.0; 01/08/2025): BA1.

CeGaT Center for Human Genetics Tuebingen
Classification: Likely benign. Last evaluated: 2026-08-01. Review status: criteria provided, single submitter. Criteria: CeGaT Center For Human Genetics Tuebingen Variant Classification Criteria Version 2. Collection method: clinical testing. Allele origin: germline. Affected: yes. Observed: 17 variant alleles. Not counted in ClinVar's aggregate classification.
Comment: DYSF: BP4

Labcorp Genetics (formerly Invitae), Labcorp
Classification: Benign for Neuromuscular disease caused by qualitative or quantitative defects of dysferlin. Last evaluated: 2026-02-04. Review status: criteria provided, single submitter. Criteria: Invitae Variant Classification Sherloc (09022015). Collection method: clinical testing. Allele origin: germline. Not counted in ClinVar's aggregate classification.

Blueprint Genetics
Classification: Likely benign. Last evaluated: 2024-11-21. Review status: criteria provided, single submitter. Criteria: ACMG Guidelines, 2015. Collection method: clinical testing. Allele origin: germline. Not counted in ClinVar's aggregate classification.

Women's Health and Genetics/Laboratory Corporation of America, LabCorp
Classification: Likely benign. Last evaluated: 2022-02-18. Review status: criteria provided, single submitter. Criteria: LabCorp Variant Classification Summary - May 2015. Collection method: clinical testing. Allele origin: germline. Not counted in ClinVar's aggregate classification.
Comment: Variant summary: DYSF c.3892A>G (p.Ile1298Val) results in a conservative amino acid change in the encoded protein sequence. Four of five in-silico tools predict a benign effect of the variant on protein function. The variant allele was found at a frequency of 0.0046 in 248942 control chromosomes, predominantly at a frequency of 0.0072 within the Non-Finnish European subpopulation in the gnomAD database, including 6 homozygotes. The observed variant frequency within Non-Finnish European control individuals in the gnomAD database is approximately 2.35 fold of the estimated maximal expected allele frequency for a pathogenic variant in DYSF causing Limb-Girdle Muscular Dystrophy, Autosomal Recessive phenotype (0.0031), strongly suggesting that the variant is a benign polymorphism found primarily in populations of Non-Finnish European origin. c.3892A>G has been reported in the literature in individuals affected with Limb-Girdle Muscular Dystrophy, Autosomal Recessive (examples: Liu_1998, ten Dam_2019). These reports do not provide unequivocal conclusions about association of the variant with Limb-Girdle Muscular Dystrophy, Autosomal Recessive. Nine clinical diagnostic laboratories have submitted clinical-significance assessments for this variant to ClinVar after 2014 without evidence for independent evaluation. Multiple laboratories reported the variant with conflicting assessments: seven classified as likely benign/benign while two classified as VUS. Based on the evidence outlined above, the variant was classified as likely benign.

Genome-Nilou Lab
Classification: Uncertain significance for Miyoshi muscular dystrophy 1. Last evaluated: 2021-07-14. Review status: criteria provided, single submitter. Criteria: ACMG Guidelines, 2015. Collection method: clinical testing. Allele origin: germline. Affected: no. Not counted in ClinVar's aggregate classification.

Genome-Nilou Lab
Classification: Uncertain significance for Autosomal recessive limb-girdle muscular dystrophy type 2B. Last evaluated: 2021-07-14. Review status: criteria provided, single submitter. Criteria: ACMG Guidelines, 2015. Collection method: clinical testing. Allele origin: germline. Affected: no. Not counted in ClinVar's aggregate classification.

Genome-Nilou Lab
Classification: Uncertain significance for Distal myopathy with anterior tibial onset. Last evaluated: 2021-07-14. Review status: criteria provided, single submitter. Criteria: ACMG Guidelines, 2015. Collection method: clinical testing. Allele origin: germline. Affected: no. Not counted in ClinVar's aggregate classification.

GeneDx
Classification: Benign. Last evaluated: 2020-04-10. Review status: criteria provided, single submitter. Criteria: GeneDx Variant Classification Process June 2021. Collection method: clinical testing. Allele origin: germline. Affected: yes. Not counted in ClinVar's aggregate classification.
Comment: This variant is associated with the following publications: (PMID: 24123366, 25898921, 9731526, 25525159, 11468312, 21816046, 22995991, 16934466, 20544924, 30919934, 32528171)

Mendelics
Classification: Likely benign for Autosomal recessive limb-girdle muscular dystrophy type 2B. Last evaluated: 2019-05-28. Review status: criteria provided, single submitter. Criteria: Mendelics Assertion Criteria 2017. Collection method: clinical testing. Allele origin: unknown. Not counted in ClinVar's aggregate classification.

Athena Diagnostics
Classification: Benign. Last evaluated: 2018-09-28. Review status: criteria provided, single submitter. Criteria: Athena Diagnostics Criteria. Collection method: clinical testing. Allele origin: germline. Not counted in ClinVar's aggregate classification.

Mayo Clinic Laboratories, Mayo Clinic
Classification: Benign. Last evaluated: 2018-04-11. Review status: criteria provided, single submitter. Criteria: ACMG Guidelines, 2015. Collection method: clinical testing. Allele origin: germline. Observed: 10 variant alleles. Not counted in ClinVar's aggregate classification.

Illumina Laboratory Services, Illumina
Classification: Uncertain significance for DYSF-Related Disorders. Last evaluated: 2017-04-27. Review status: criteria provided, single submitter. Criteria: ICSL Variant Classification Criteria 13 December 2019. Collection method: clinical testing. Allele origin: germline. Not counted in ClinVar's aggregate classification.
Comment: This variant was observed as part of a predisposition screen in an ostensibly healthy population. A literature search was performed for the gene, cDNA change, and amino acid change (where applicable). Publications were found based on this search. However, the evidence from the literature, in combination with allele frequency data from public databases where available, was not sufficient to rule this variant in or out of causing disease. Therefore, this variant is classified as a variant of unknown significance.

Eurofins Ntd Llc (ga)
Classification: Benign. Last evaluated: 2015-07-09. Review status: criteria provided, single submitter. Criteria: EGL Classification Definitions 2015. Collection method: clinical testing. Allele origin: germline. Observed: 1 variant allele, 1 heterozygote. Not counted in ClinVar's aggregate classification.

PreventionGenetics, part of Exact Sciences
Classification: Likely benign. Review status: criteria provided, single submitter. Criteria: ACMG Guidelines, 2015. Collection method: clinical testing. Allele origin: germline. Not counted in ClinVar's aggregate classification.

Natera, Inc.
Classification: Benign for Limb-girdle muscular dystrophy type 2B. Last evaluated: 2020-01-10. Review status: no assertion criteria provided. Collection method: clinical testing. Allele origin: germline. Not counted in ClinVar's aggregate classification.

OMIM
Classification: Pathogenic for MIYOSHI MUSCULAR DYSTROPHY 1. Last evaluated: 1998-09-01. Review status: no assertion criteria provided. Collection method: literature only. Allele origin: germline. Not counted in ClinVar's aggregate classification.

OMIM
Classification: Pathogenic for MUSCULAR DYSTROPHY, LIMB-GIRDLE, AUTOSOMAL RECESSIVE 2. Last evaluated: 1998-09-01. Review status: no assertion criteria provided. Collection method: literature only. Allele origin: germline. Not counted in ClinVar's aggregate classification.

Genome Diagnostics Laboratory, University Medical Center Utrecht
Classification: Likely benign. Review status: no assertion criteria provided. Collection method: clinical testing. Allele origin: germline. Affected: yes. Study: VKGL Data-share Consensus. Not counted in ClinVar's aggregate classification.

Laboratory of Diagnostic Genome Analysis, Leiden University Medical Center (LUMC)
Classification: Likely benign. Review status: no assertion criteria provided. Collection method: clinical testing. Allele origin: germline. Affected: yes. Study: VKGL Data-share Consensus. Not counted in ClinVar's aggregate classification.

Literature cited by the submitters: PubMed 9731526 (cited by 4 submitters); PubMed 30919934 (cited by Women's Health and Genetics/Laboratory Corporation of America, LabCorp); PubMed 11468312 (cited by Athena Diagnostics); PubMed 16934466 (cited by Athena Diagnostics and Illumina Laboratory Services, Illumina); PubMed 24123366 (cited by Athena Diagnostics and Illumina Laboratory Services, Illumina); PubMed 21816046 (cited by Athena Diagnostics and Illumina Laboratory Services, Illumina); PubMed 20544924 (cited by Athena Diagnostics and Illumina Laboratory Services, Illumina); PubMed 25807536 (cited by Athena Diagnostics); PubMed 22995991 (cited by Athena Diagnostics and Illumina Laboratory Services, Illumina).